The following is an entry in ClinVar:

NM_005751.5(AKAP9):c.11413C>A (p.Gln3805Lys)

Gene: AKAP9 (A-kinase anchoring protein 9; plus strand). Cytogenetic location: 7q21.2.
Variant type: single nucleotide variant.
Coding change: c.11413C>A on transcript NM_005751.5 (MANE Select); coding-DNA position 11413, C replaced by A.
Protein change: p.Gln3805Lys; replaces glutamine 3805 with lysine.
Molecular consequence: missense variant.
Genome position (GRCh38, 1-based): chr7:92,105,760, C>A. VCF-style: chr7-92105760-C-A. GRCh37 (hg19) VCF-style: chr7-91735074-C-A.
Other names: c.6058C>A, p.Gln2020Lys (NM_001379277.1); c.11389C>A, p.Gln3797Lys (NM_147185.3); short protein forms Q3797K, Q2020K, Q3805K.
Identifiers: ClinVar variation 3849583 (VCV003849583.1).
Genomic context (GRCh38, chr7:92,105,760, plus strand): 5'-TGGCATCGAGTCACAGGTTCTGTTTCCATCAATATTAACAGAGATGGCTTTGGACTGAAT[C>A]AAGGTGAAGTCAAAATAGCATATTTTCTTATGTTTATGACTCTCTAAATCAGAGGTCCCC-3'
Protein context (NP_005742.4, residues 3795-3815): NINRDGFGLN[Gln3805Lys]GAEKTDSFYH

ClinVar aggregate classification (germline): Uncertain significance (1 of 4 stars; one submission).

Conditions:
Cardiovascular phenotype. Identifiers: MedGen CN230736.

gnomAD v4.1: 4 of 1,612,736 alleles (0.00025%); highest among the groups gnomAD compares: Non-Finnish European, 0.00017%; no homozygotes.

Submission:

Ambry Genetics
Classification: Uncertain significance for Cardiovascular phenotype. Last evaluated: 2025-02-04. Review status: criteria provided, single submitter. Criteria: Ambry Variant Classification Scheme 2023. Collection method: clinical testing. Allele origin: germline.
Comment: The p.Q3805K variant (also known as c.11413C>A), located in coding exon 47 of the AKAP9 gene, results from a C to A substitution at nucleotide position 11413. The glutamine at codon 3805 is replaced by lysine, an amino acid with similar properties. This amino acid position is conserved. In addition, this alteration is predicted to be tolerated by in silico analysis. Based on the available evidence, the clinical significance of this variant remains unclear.